The following is an entry in ClinVar:

ClinVar aggregate classification (germline): Uncertain significance (1 of 4 stars; one submission).

Conditions:
Hereditary cancer-predisposing syndrome. Also called: Hereditary neoplastic syndrome; Neoplastic Syndromes, Hereditary; Tumor predisposition; Hereditary Cancer Syndrome. Identifiers: Orphanet 140162, MedGen C0027672, MeSH D009386, MONDO:0015356.

Submission:

Ambry Genetics
Classification: Uncertain significance for Hereditary cancer-predisposing syndrome. Last evaluated: 2024-12-12. Review status: criteria provided, single submitter. Criteria: Ambry Variant Classification Scheme 2023. Collection method: clinical testing. Allele origin: germline.
Comment: The p.L14P variant (also known as c.41T>C), located in coding exon 1 of the EGFR gene, results from a T to C substitution at nucleotide position 41. The leucine at codon 14 is replaced by proline, an amino acid with similar properties. This amino acid position is highly conserved in available vertebrate species. In addition, the in silico prediction for this alteration is inconclusive. Based on the available evidence, the clinical significance of this variant remains unclear.

NM_005228.5(EGFR):c.41T>C (p.Leu14Pro)

Gene: EGFR (epidermal growth factor receptor; plus strand). Cytogenetic location: 7p11.2.
Variant type: single nucleotide variant.
Coding change: c.41T>C on transcript NM_005228.5 (MANE Select); coding-DNA position 41, T replaced by C.
Protein change: p.Leu14Pro; replaces leucine 14 with proline.
Molecular consequence: missense variant.
Genome position (GRCh38, 1-based): chr7:55,019,318, T>C. VCF-style: chr7-55019318-T-C. GRCh37 (hg19) VCF-style: chr7-55087011-T-C.
Other names: c.41T>C, p.Leu14Pro (NM_001346897.2, NM_001346898.2, NM_001346899.2 and 4 more transcripts); short protein forms L14P.
Identifiers: ClinVar variation 3843750 (VCV003843750.1).
Genomic context (GRCh38, chr7:55,019,318, plus strand): 5'-GAGCTCTTCGGGGAGCAGCGATGCGACCCTCCGGGACGGCCGGGGCAGCGCTCCTGGCGC[T>C]GCTGGCTGCGCTCTGCCCGGCGAGTCGGGCTCTGGAGGAAAAGAAAGGTAAGGGCGTGTC-3'
Protein context (NP_005219.2, residues 4-24): SGTAGAALLA[Leu14Pro]LAALCPASRA